The following is an entry in ClinVar:

ClinVar aggregate classification (germline): Likely benign (1 of 4 stars; one submission).

Allele frequency attached by ClinVar (database versions not stated): gnomAD exomes 0.00101; gnomAD 0.01043 and 0.01115; TOPMed 0.01175; 1000 Genomes Project 0.01218; 1000 Genomes Project 30x 0.01280.

Submission:

GeneDx
Classification: Likely benign. Last evaluated: 2018-06-19. Review status: criteria provided, single submitter. Criteria: GeneDx Variant Classification (06012015). Collection method: clinical testing. Allele origin: germline. Affected: yes.
Comment: This variant is considered likely benign or benign based on one or more of the following criteria: it is a conservative change, it occurs at a poorly conserved position in the protein, it is predicted to be benign by multiple in silico algorithms, and/or has population frequency not consistent with disease.

NM_001130987.2(DYSF):c.554-75del

Gene: DYSF (dysferlin; plus strand). Cytogenetic location: 2p13.2.
Variant type: Deletion.
Coding change: c.554-75del on transcript NM_001130987.2 (MANE Select); 75 bases into the intron before coding-DNA position 554, one base deleted (T; older notation c.554-75delT).
Molecular consequence: intron variant.
Genome position (GRCh38, 1-based): chr2:71,513,641, T deleted. VCF-style (leftmost placement, unchanged base first): chr2-71513640-CT-C. GRCh37 (hg19) VCF-style: chr2-71740770-CT-C.
Other names: c.551-75del (NM_001130979.2, NM_001130981.2, NM_001130980.2); c.458-75del (NM_001130978.2, NM_003494.4, NM_001130977.2 and 1 more transcripts); c.554-75del (NM_001130982.2, NM_001130985.2); c.461-75del (NM_001130983.2, NM_001130455.2, NM_001130984.2 and 1 more transcripts).
Identifiers: ClinVar variation 678956 (VCV000678956.1), dbSNP rs199799717, ClinGen allele CA49758362.
Genomic context (GRCh38, chr2:71,513,640, plus strand): 5'-GAGGAGGGAGAGGAAGAGGGGATGAGTCTTAGGGCCCATGCCTTTTGGATCTTCTGCCCC[CT>C]GGGCTGGGTCCCAGGGGCAGGGGCAGGGGCAGGGCCAGAGGGATCCAGGCCTCATTAGGG-3'